The following is an entry in ClinVar:

NM_005477.3(HCN4):c.757T>C (p.Trp253Arg)

Gene: HCN4 (hyperpolarization activated cyclic nucleotide gated potassium channel 4; minus strand). Cytogenetic location: 15q24.1.
Variant type: single nucleotide variant.
Coding change: c.757T>C on transcript NM_005477.3 (MANE Select); coding-DNA position 757, T replaced by C.
Protein change: p.Trp253Arg; replaces tryptophan 253 with arginine.
Molecular consequence: missense variant.
Genome position (GRCh38, 1-based): chr15:73,367,514, A>G on the plus strand (T>C on the coding strand, the complement: HCN4 is on the minus strand). VCF-style: chr15-73367514-A-G. GRCh37 (hg19) VCF-style: chr15-73659855-A-G.
Other names: short protein forms W253R.
Identifiers: ClinVar variation 2011512 (VCV002011512.4), dbSNP rs2549080084, ClinGen allele CA393097008.

ClinVar aggregate classification (germline): Uncertain significance (1 of 4 stars; one submission).

Conditions:
Brugada syndrome 8 (BRGDA8). Identifiers: Orphanet 130, MedGen C2751083, MONDO:0013148, OMIM 613123.

Submission:

Labcorp Genetics (formerly Invitae), Labcorp
Classification: Uncertain significance for Brugada syndrome 8. Last evaluated: 2022-06-27. Review status: criteria provided, single submitter. Criteria: Invitae Variant Classification Sherloc (09022015). Collection method: clinical testing. Allele origin: germline.
Comment: In summary, the available evidence is currently insufficient to determine the role of this variant in disease. Therefore, it has been classified as a Variant of Uncertain Significance. Advanced modeling of protein sequence and biophysical properties (such as structural, functional, and spatial information, amino acid conservation, physicochemical variation, residue mobility, and thermodynamic stability) performed at Invitae indicates that this missense variant is not expected to disrupt HCN4 protein function. This variant has not been reported in the literature in individuals affected with HCN4-related conditions. This variant is not present in population databases (gnomAD no frequency). This sequence change replaces tryptophan, which is neutral and slightly polar, with arginine, which is basic and polar, at codon 253 of the HCN4 protein (p.Trp253Arg).